The following is an entry in ClinVar:

NM_024675.4(PALB2):c.1594C>T (p.Pro532Ser)

Gene: PALB2 (partner and localizer of BRCA2; minus strand). Cytogenetic location: 16p12.2.
Variant type: single nucleotide variant.
Coding change: c.1594C>T on transcript NM_024675.4 (MANE Select); coding-DNA position 1594, C replaced by T.
Protein change: p.Pro532Ser; replaces proline 532 with serine.
Molecular consequence: missense variant.
Genome position (GRCh38, 1-based): chr16:23,634,952, G>A on the plus strand (C>T on the coding strand, the complement: PALB2 is on the minus strand). VCF-style: chr16-23634952-G-A. GRCh37 (hg19) VCF-style: chr16-23646273-G-A.
Other names: short protein forms P532S.
Identifiers: ClinVar variation 185637 (VCV000185637.20), dbSNP rs763007754, ClinGen allele CA192496.

ClinVar aggregate classification (germline): Uncertain significance. Review status: criteria provided, multiple submitters, no conflicts (2 of 4 stars). 4 submissions from 4 submitters: Uncertain significance (4). Last evaluated 2025-04-17.

Conditions:
Hereditary cancer-predisposing syndrome. Also called: Hereditary neoplastic syndrome; Neoplastic Syndromes, Hereditary; Tumor predisposition; Hereditary Cancer Syndrome. Identifiers: Orphanet 140162, MedGen C0027672, MeSH D009386, MONDO:0015356.
Familial cancer of breast. Also called: BREAST CANCER, FAMILIAL; Hereditary breast cancer; hereditary breast carcinoma. Identifiers: Orphanet 227535, MedGen C0346153, MONDO:0016419, OMIM 114480. Disease mechanism: loss of function.

Allele frequency attached by ClinVar (database versions not stated): gnomAD exomes below 0.00001; ExAC 0.00001; gnomAD 0.00002; TOPMed 0.00003.
gnomAD v4.1: 3 of 1,614,006 alleles (0.00019%); highest among the groups gnomAD compares: African/African-American, 0.004%; no homozygotes.

Submissions (4):

Labcorp Genetics (formerly Invitae), Labcorp
Classification: Uncertain significance for Familial cancer of breast. Last evaluated: 2025-04-17. Review status: criteria provided, single submitter. Criteria: Invitae Variant Classification Sherloc (09022015). Collection method: clinical testing. Allele origin: germline.
Comment: This sequence change replaces proline, which is neutral and non-polar, with serine, which is neutral and polar, at codon 532 of the PALB2 protein (p.Pro532Ser). This variant is present in population databases (rs763007754, gnomAD 0.007%). This variant has not been reported in the literature in individuals affected with PALB2-related conditions. ClinVar contains an entry for this variant (Variation ID: 185637). Invitae Evidence Modeling of protein sequence and biophysical properties (such as structural, functional, and spatial information, amino acid conservation, physicochemical variation, residue mobility, and thermodynamic stability) indicates that this missense variant is expected to disrupt PALB2 protein function with a positive predictive value of 80%. In summary, the available evidence is currently insufficient to determine the role of this variant in disease. Therefore, it has been classified as a Variant of Uncertain Significance.

Ambry Genetics
Classification: Uncertain significance for Hereditary cancer-predisposing syndrome. Last evaluated: 2024-02-23. Review status: criteria provided, single submitter. Criteria: Ambry Variant Classification Scheme 2023. Collection method: clinical testing. Allele origin: germline.
Comment: The p.P532S variant (also known as c.1594C>T), located in coding exon 4 of the PALB2 gene, results from a C to T substitution at nucleotide position 1594. The proline at codon 532 is replaced by serine, an amino acid with similar properties. This amino acid position is well conserved in available vertebrate species. In addition, this alteration is predicted to be tolerated by in silico analysis. Since supporting evidence is limited at this time, the clinical significance of this alteration remains unclear.

Women's Health and Genetics/Laboratory Corporation of America, LabCorp
Classification: Uncertain significance. Last evaluated: 2023-10-29. Review status: criteria provided, single submitter. Criteria: LabCorp Variant Classification Summary - May 2015. Collection method: clinical testing. Allele origin: germline.

Color Diagnostics, LLC DBA Color Health
Classification: Uncertain significance for Hereditary cancer-predisposing syndrome. Last evaluated: 2022-05-17. Review status: criteria provided, single submitter. Criteria: ACMG Guidelines, 2015. Collection method: clinical testing. Allele origin: germline.
Comment: This missense variant replaces proline with serine at codon 532 of the PALB2 protein. Computational prediction suggests that this variant may not impact protein structure and function (internally defined REVEL score threshold <= 0.5, PMID: 27666373). To our knowledge, functional studies have not been reported for this variant. This variant has not been reported in individuals affected with hereditary cancer in the literature. This variant has been identified in 1/251490 chromosomes in the general population by the Genome Aggregation Database (gnomAD). The available evidence is insufficient to determine the role of this variant in disease conclusively. Therefore, this variant is classified as a Variant of Uncertain Significance.